The following is an entry in ClinVar:

ClinVar aggregate classification (germline): Uncertain significance (1 of 4 stars; one submission).

Conditions:
Cardiovascular phenotype. Identifiers: MedGen CN230736.

Submission:

Ambry Genetics
Classification: Uncertain significance for Cardiovascular phenotype. Last evaluated: 2021-06-08. Review status: criteria provided, single submitter. Criteria: Ambry Variant Classification Scheme 2023. Collection method: clinical testing. Allele origin: germline.
Comment: The p.R182K variant (also known as c.545G>A), located in coding exon 1 of the ZNF469 gene, results from a G to A substitution at nucleotide position 545. The arginine at codon 182 is replaced by lysine, an amino acid with highly similar properties. This amino acid position is well conserved in available vertebrate species. In addition, this alteration is predicted to be tolerated by in silico analysis. Since supporting evidence is limited at this time, the clinical significance of this alteration remains unclear.

NM_001367624.2(ZNF469):c.545G>A (p.Arg182Lys)

Gene: ZNF469 (zinc finger protein 469; plus strand). Cytogenetic location: 16q24.2.
Variant type: single nucleotide variant.
Coding change: c.545G>A on transcript NM_001367624.2 (MANE Select); coding-DNA position 545, G replaced by A.
Protein change: p.Arg182Lys; replaces arginine 182 with lysine.
Molecular consequence: missense variant.
Genome position (GRCh38, 1-based): chr16:88,428,015, G>A. VCF-style: chr16-88428015-G-A. GRCh37 (hg19) VCF-style: chr16-88494423-G-A.
Other names: NM_001127464.1:c.545G>A; short protein forms R182K.
Identifiers: ClinVar variation 1747657 (VCV001747657.2), dbSNP rs1374787191, ClinGen allele CA397060603.